The following is an entry in ClinVar:

ClinVar aggregate classification (germline): Uncertain significance (1 of 4 stars; one submission).

Conditions:
Inborn genetic diseases. Identifiers: MedGen C0950123, MeSH D030342.

Submission:

Ambry Genetics
Classification: Uncertain significance for Inborn genetic diseases. Last evaluated: 2025-09-13. Review status: criteria provided, single submitter. Criteria: Ambry Variant Classification Scheme 2023. Collection method: clinical testing. Allele origin: germline.
Comment: The p.K620I variant (also known as c.1859A>T), located in coding exon 1 of the SAMD9 gene, results from an A to T substitution at nucleotide position 1859. The lysine at codon 620 is replaced by isoleucine, an amino acid with dissimilar properties. This amino acid position is conserved. In addition, this alteration is predicted to be tolerated by in silico analysis. Based on the available evidence, the clinical significance of this variant remains unclear.

NM_017654.4(SAMD9):c.1859A>T (p.Lys620Ile)

Gene: SAMD9 (sterile alpha motif domain containing 9; minus strand). Cytogenetic location: 7q21.2.
Variant type: single nucleotide variant.
Coding change: c.1859A>T on transcript NM_017654.4 (MANE Select); coding-DNA position 1859, A replaced by T.
Protein change: p.Lys620Ile; replaces lysine 620 with isoleucine.
Molecular consequence: missense variant.
Genome position (GRCh38, 1-based): chr7:93,104,239, T>A on the plus strand (A>T on the coding strand, the complement: SAMD9 is on the minus strand). VCF-style: chr7-93104239-T-A. GRCh37 (hg19) VCF-style: chr7-92733552-T-A.
Other names: c.1859A>T, p.Lys620Ile (NM_001193307.2); short protein forms K620I.
Identifiers: ClinVar variation 4159226 (VCV004159226.1).